The following is an entry in ClinVar:

ClinVar aggregate classification (germline): Uncertain significance. Review status: criteria provided, multiple submitters, no conflicts (2 of 4 stars). 2 submissions from 2 submitters: Uncertain significance (2). Last evaluated 2023-10-16.

Conditions:
Inborn genetic diseases. Identifiers: MedGen C0950123, MeSH D030342.

Allele frequency attached by ClinVar (database versions not stated): gnomAD exomes 0.00001; gnomAD 0.00002 and 0.00003; 1000 Genomes Project 30x 0.00016; 1000 Genomes Project 0.00020.
gnomAD v4.1: 14 of 1,611,124 alleles (0.00087%); highest among the groups gnomAD compares: South Asian, 0.0055%; no homozygotes.

Submissions (2):

Ambry Genetics
Classification: Uncertain significance for Inborn genetic diseases. Last evaluated: 2023-10-16. Review status: criteria provided, single submitter. Criteria: Ambry Variant Classification Scheme 2023. Collection method: clinical testing. Allele origin: germline.

Labcorp Genetics (formerly Invitae), Labcorp
Classification: Uncertain significance. Last evaluated: 2021-06-01. Review status: criteria provided, single submitter. Criteria: Invitae Variant Classification Sherloc (09022015). Collection method: clinical testing. Allele origin: germline.
Comment: In summary, the available evidence is currently insufficient to determine the role of this variant in disease. Therefore, it has been classified as a Variant of Uncertain Significance. Algorithms developed to predict the effect of missense changes on protein structure and function are either unavailable or do not agree on the potential impact of this missense change (SIFT: "Tolerated"; PolyPhen-2: "Probably Damaging"; Align-GVGD: "Class C0"). This variant has not been reported in the literature in individuals with PDHX-related conditions. This variant is present in population databases (rs141719797, ExAC 0.01%). This sequence change replaces arginine with histidine at codon 183 of the PDHX protein (p.Arg183His). The arginine residue is moderately conserved and there is a small physicochemical difference between arginine and histidine.

NM_003477.3(PDHX):c.548G>A (p.Arg183His)

Gene: PDHX (pyruvate dehydrogenase complex component X; plus strand). Cytogenetic location: 11p13.
Variant type: single nucleotide variant.
Coding change: c.548G>A on transcript NM_003477.3 (MANE Select); coding-DNA position 548, G replaced by A.
Protein change: p.Arg183His; replaces arginine 183 with histidine.
Molecular consequence: missense variant. On other transcripts: intron variant (1).
Genome position (GRCh38, 1-based): chr11:34,960,425, G>A. VCF-style: chr11-34960425-G-A. GRCh37 (hg19) VCF-style: chr11-34981972-G-A.
Other names: c.368G>A, p.Arg123His (NM_001135024.2); c.342+12819G>A (NM_001166158.2); c.548G>A (NM_003477.2); short protein forms R123H, R183H.
Identifiers: ClinVar variation 1383740 (VCV001383740.9), dbSNP rs141719797, ClinGen allele CA5945919.